The following is an entry in ClinVar:

NM_001457.4(FLNB):c.4426G>C (p.Asp1476His)

Gene: FLNB (filamin B; plus strand). Cytogenetic location: 3p14.3.
Variant type: single nucleotide variant.
Coding change: c.4426G>C on transcript NM_001457.4 (MANE Select); coding-DNA position 4426, G replaced by C.
Protein change: p.Asp1476His; replaces aspartic acid 1476 with histidine.
Molecular consequence: missense variant.
Genome position (GRCh38, 1-based): chr3:58,132,843, G>C. VCF-style: chr3-58132843-G-C. GRCh37 (hg19) VCF-style: chr3-58118570-G-C.
Other names: c.4519G>C, p.Asp1507His (NM_001164317.2); c.4426G>C, p.Asp1476His (NM_001164318.2, NM_001164319.2); c.4426G>C (NM_001457.3); short protein forms D1476H, D1507H.
Identifiers: ClinVar variation 2077740 (VCV002077740.5), dbSNP rs150947880, ClinGen allele CA2468773.

ClinVar aggregate classification (germline): Conflicting classifications of pathogenicity. Review status: criteria provided, conflicting classifications (1 of 4 stars). 2 submissions from 2 submitters: Uncertain significance (1); Likely benign (1). Last evaluated 2025-11-24.

Allele frequency attached by ClinVar (database versions not stated): gnomAD exomes 0.00002; ExAC 0.00003; TOPMed 0.00003; gnomAD 0.00005; ESP Exome Variant Server 0.00015.
gnomAD v4.1: 34 of 1,614,036 alleles (0.0021%); highest among the groups gnomAD compares: Non-Finnish European, 0.0024%; no homozygotes.

Submissions (2):

Labcorp Genetics (formerly Invitae), Labcorp
Classification: Likely benign. Last evaluated: 2025-11-24. Review status: criteria provided, single submitter. Criteria: Invitae Variant Classification Sherloc (09022015). Collection method: clinical testing. Allele origin: germline.

GeneDx
Classification: Uncertain significance. Last evaluated: 2024-08-29. Review status: criteria provided, single submitter. Criteria: GeneDx Variant Classification Process June 2021. Collection method: clinical testing. Allele origin: germline. Affected: yes.
Comment: In silico analysis supports that this missense variant has a deleterious effect on protein structure/function; Has not been previously published as pathogenic or benign to our knowledge